The following is an entry in ClinVar:

ClinVar aggregate classification (germline): Uncertain significance (1 of 4 stars; one submission).

Submission:

Ambry Genetics
Classification: Uncertain significance. Last evaluated: 2026-07-25. Review status: criteria provided, single submitter. Criteria: Ambry Variant Classification Scheme 2023. Collection method: clinical testing. Allele origin: germline.
Comment: The p.F1021L variant (also known as c.3063T>A), located in coding exon 1 of the MLH3 gene, results from a T to A substitution at nucleotide position 3063. The phenylalanine at codon 1021 is replaced by leucine, an amino acid with highly similar properties. This amino acid position is conserved. In addition, this alteration is predicted to be tolerated by in silico analysis. Based on the available evidence, the clinical significance of this variant remains unclear.

NM_001040108.2(MLH3):c.3063T>A (p.Phe1021Leu)

Gene: MLH3 (mutL homolog 3; minus strand). Cytogenetic location: 14q24.3.
Variant type: single nucleotide variant.
Coding change: c.3063T>A on transcript NM_001040108.2 (MANE Select); coding-DNA position 3063, T replaced by A.
Protein change: p.Phe1021Leu; replaces phenylalanine 1021 with leucine.
Molecular consequence: missense variant.
Genome position (GRCh38, 1-based): chr14:75,046,593, A>T on the plus strand (T>A on the coding strand, the complement: MLH3 is on the minus strand). VCF-style: chr14-75046593-A-T. GRCh37 (hg19) VCF-style: chr14-75513296-A-T.
Other names: c.3063T>A, p.Phe1021Leu (NM_014381.3); short protein forms F1021L.
Identifiers: ClinVar variation 5024603 (VCV005024603.1).